The following is an entry in ClinVar:

ClinVar aggregate classification (germline): Uncertain significance. Review status: criteria provided, multiple submitters, no conflicts (2 of 4 stars). 2 submissions from 2 submitters: Uncertain significance (2). Last evaluated 2026-01-11.

Conditions:
COL9A1-related disorder. Also called: COL9A1-related condition; COL9A1-related disorders.

Allele frequency attached by ClinVar (database versions not stated): gnomAD exomes 0.00001; gnomAD 0.00007 and 0.00008; TOPMed 0.00009.
gnomAD v4.1: 23 of 1,614,126 alleles (0.0014%); highest among the groups gnomAD compares: African/African-American, 0.024%; no homozygotes.

Submissions (2):

PreventionGenetics, part of Exact Sciences
Classification: Uncertain significance for COL9A1-related condition. Last evaluated: 2026-01-11. Review status: criteria provided, single submitter. Criteria: ACMG Guidelines, 2015. Collection method: clinical testing. Allele origin: germline.
Comment: The COL9A1 c.11G>A variant is predicted to result in the amino acid substitution p.Cys4Tyr. To our knowledge, this variant has not been reported in the literature. This variant is reported in 0.016% of alleles in individuals of African descent in gnomAD. At this time, the clinical significance of this variant is uncertain due to the absence of conclusive functional and genetic evidence.

Labcorp Genetics (formerly Invitae), Labcorp
Classification: Uncertain significance. Last evaluated: 2024-10-16. Review status: criteria provided, single submitter. Criteria: Invitae Variant Classification Sherloc (09022015). Collection method: clinical testing. Allele origin: germline.
Comment: This sequence change replaces cysteine, which is neutral and slightly polar, with tyrosine, which is neutral and polar, at codon 4 of the COL9A1 protein (p.Cys4Tyr). This variant is present in population databases (rs547666229, gnomAD 0.02%). This variant has not been reported in the literature in individuals affected with COL9A1-related conditions. ClinVar contains an entry for this variant (Variation ID: 1495640). Invitae Evidence Modeling of protein sequence and biophysical properties (such as structural, functional, and spatial information, amino acid conservation, physicochemical variation, residue mobility, and thermodynamic stability) indicates that this missense variant is not expected to disrupt COL9A1 protein function with a negative predictive value of 95%. In summary, the available evidence is currently insufficient to determine the role of this variant in disease. Therefore, it has been classified as a Variant of Uncertain Significance.

NM_001851.6(COL9A1):c.11G>A (p.Cys4Tyr)

Gene: COL9A1 (collagen type IX alpha 1 chain; minus strand). Cytogenetic location: 6q13.
Variant type: single nucleotide variant.
Coding change: c.11G>A on transcript NM_001851.6 (MANE Select); coding-DNA position 11, G replaced by A.
Protein change: p.Cys4Tyr; replaces cysteine 4 with tyrosine.
Molecular consequence: missense variant.
Genome position (GRCh38, 1-based): chr6:70,302,914, C>T on the plus strand (G>A on the coding strand, the complement: COL9A1 is on the minus strand). VCF-style: chr6-70302914-C-T. GRCh37 (hg19) VCF-style: chr6-71012617-C-T.
Other names: c.11G>A (NM_001851.4); c.11G>A, p.Cys4Tyr (NM_001377291.1); short protein forms C4Y.
Identifiers: ClinVar variation 1495640 (VCV001495640.8), dbSNP rs547666229, ClinGen allele CA140832023.